The following is an entry in ClinVar:

ClinVar aggregate classification (germline): Likely benign. Review status: criteria provided, multiple submitters, no conflicts (2 of 4 stars). 2 submissions from 2 submitters: Likely benign (2). Last evaluated 2024-10-01.

Allele frequency attached by ClinVar (database versions not stated): ExAC 0.00003; gnomAD exomes 0.00003; TOPMed 0.00006; gnomAD 0.00007; ESP Exome Variant Server 0.00008.
gnomAD v4.1: 55 of 1,612,868 alleles (0.0034%); highest among the groups gnomAD compares: Middle Eastern, 0.066%; no homozygotes.

Submissions (2):

CeGaT Center for Human Genetics Tuebingen
Classification: Likely benign. Last evaluated: 2024-10-01. Review status: criteria provided, single submitter. Criteria: CeGaT Center For Human Genetics Tuebingen Variant Classification Criteria Version 2. Collection method: clinical testing. Allele origin: germline. Affected: yes. Observed: 1 variant allele.
Comment: LAMA5: BP4, BP7

Labcorp Genetics (formerly Invitae), Labcorp
Classification: Likely benign. Last evaluated: 2023-05-05. Review status: criteria provided, single submitter. Criteria: Invitae Variant Classification Sherloc (09022015). Collection method: clinical testing. Allele origin: germline.

NM_005560.6(LAMA5):c.8163G>A (p.Glu2721=)

Gene: LAMA5 (laminin subunit alpha 5; minus strand). Cytogenetic location: 20q13.33.
Variant type: single nucleotide variant.
Coding change: c.8163G>A on transcript NM_005560.6 (MANE Select); coding-DNA position 8163, G replaced by A.
Protein change: p.Glu2721=; no amino-acid change (glutamic acid 2721 retained).
Molecular consequence: synonymous variant.
Genome position (GRCh38, 1-based): chr20:62,314,832, C>T on the plus strand (G>A on the coding strand, the complement: LAMA5 is on the minus strand). VCF-style: chr20-62314832-C-T. GRCh37 (hg19) VCF-style: chr20-60889888-C-T.
Identifiers: ClinVar variation 2723410 (VCV002723410.17), dbSNP rs201783117, ClinGen allele CA9940855.